The following is an entry in ClinVar:

ClinVar aggregate classification (germline): Benign. Review status: criteria provided, multiple submitters, no conflicts (2 of 4 stars). 16 submissions from 12 submitters: Benign (13). 3 of the submissions do not count toward it. Last evaluated 2026-05-08.

Conditions:
Hearing loss, autosomal dominant 37. Also called: DEAFNESS, AUTOSOMAL DOMINANT 37. Identifiers: MedGen C4760307, MONDO:0032802, OMIM 618533.
Fibrochondrogenesis 1 (FBCG1). Identifiers: Orphanet 2021, MedGen C3278138, MONDO:0009226, OMIM 228520.
Marshall syndrome (MRSHS). Identifiers: Orphanet 560, MedGen C0265235, MONDO:0007949, OMIM 154780.
Stickler syndrome type 2 (STL2). Also called: STICKLER SYNDROME, BEADED VITREOUS TYPE; STICKLER SYNDROME, VITREOUS TYPE 2; STICKLER SYNDROME, TYPE II; COL11A1-Related Stickler Syndrome. Identifiers: Orphanet 828, Orphanet 90654, MedGen C1858084, MONDO:0011493, OMIM 604841.

Allele frequency attached by ClinVar (database versions not stated): ESP Exome Variant Server 0.44841; TOPMed 0.47662; 1000 Genomes Project 30x 0.48157; 1000 Genomes Project 0.48462; gnomAD 0.49335; ExAC 0.58015; gnomAD exomes 0.59324 and 0.60028.
gnomAD v4.1: 950,637 of 1,613,456 alleles (59%); highest among the groups gnomAD compares: Admixed American, 71%; 289,481 homozygotes.

Submissions (16):

Women's Health and Genetics/Laboratory Corporation of America, LabCorp
Classification: Benign. Last evaluated: 2026-05-08. Review status: criteria provided, single submitter. Criteria: LabCorp Variant Classification Summary - May 2015. Collection method: clinical testing. Allele origin: germline.

Labcorp Genetics (formerly Invitae), Labcorp
Classification: Benign. Last evaluated: 2026-02-04. Review status: criteria provided, single submitter. Criteria: Invitae Variant Classification Sherloc (09022015). Collection method: clinical testing. Allele origin: germline.

Blueprint Genetics
Classification: Benign. Last evaluated: 2024-11-26. Review status: criteria provided, single submitter. Criteria: ACMG Guidelines, 2015. Collection method: clinical testing. Allele origin: germline.

Genome-Nilou Lab
Classification: Benign for Hearing loss, autosomal dominant 37. Last evaluated: 2021-07-22. Review status: criteria provided, single submitter. Criteria: ACMG Guidelines, 2015. Collection method: clinical testing. Allele origin: germline. Affected: no.

Genome-Nilou Lab
Classification: Benign for Fibrochondrogenesis 1. Last evaluated: 2021-07-22. Review status: criteria provided, single submitter. Criteria: ACMG Guidelines, 2015. Collection method: clinical testing. Allele origin: germline. Affected: no.

Genome-Nilou Lab
Classification: Benign for Marshall syndrome. Last evaluated: 2021-07-22. Review status: criteria provided, single submitter. Criteria: ACMG Guidelines, 2015. Collection method: clinical testing. Allele origin: germline. Affected: no.

Genome-Nilou Lab
Classification: Benign for Stickler syndrome type 2. Last evaluated: 2021-07-22. Review status: criteria provided, single submitter. Criteria: ACMG Guidelines, 2015. Collection method: clinical testing. Allele origin: germline. Affected: no.

Mayo Clinic Laboratories, Mayo Clinic
Classification: Benign. Last evaluated: 2019-05-20. Review status: criteria provided, single submitter. Criteria: ACMG Guidelines, 2015. Collection method: clinical testing. Allele origin: germline. Observed: 130 variant alleles.

Illumina Laboratory Services, Illumina
Classification: Benign for Stickler syndrome type 2. Last evaluated: 2018-01-12. Review status: criteria provided, single submitter. Criteria: ICSL Variant Classification Criteria 13 December 2019. Collection method: clinical testing. Allele origin: germline.
Comment: This variant was observed in the ICSL laboratory as part of a predisposition screen in an ostensibly healthy population. It had not been previously curated by ICSL or reported in the Human Gene Mutation Database (HGMD: prior to June 1st, 2018), and was therefore a candidate for classification through an automated scoring system. Utilizing variant allele frequency, disease prevalence and penetrance estimates, and inheritance mode, an automated score was calculated to assess if this variant is too frequent to cause the disease. Based on the score and internal cut-off values, a variant classified as benign is not then subjected to further curation. The score for this variant resulted in a classification of benign for this disease.

Illumina Laboratory Services, Illumina
Classification: Benign for Fibrochondrogenesis 1. Last evaluated: 2018-01-12. Review status: criteria provided, single submitter. Criteria: ICSL Variant Classification Criteria 13 December 2019. Collection method: clinical testing. Allele origin: germline.
Comment: the same text as in the submission from Illumina Laboratory Services, Illumina above.

GeneDx
Classification: Benign. Last evaluated: 2016-09-29. Review status: criteria provided, single submitter. Criteria: GeneDx Variant Classification (06012015). Collection method: clinical testing. Allele origin: germline. Affected: yes.
Comment: This variant is considered likely benign or benign based on one or more of the following criteria: it is a conservative change, it occurs at a poorly conserved position in the protein, it is predicted to be benign by multiple in silico algorithms, and/or has population frequency not consistent with disease.

Breakthrough Genomics
Classification: Benign. Review status: criteria provided, single submitter. Criteria: ACMG Guidelines, 2015. Collection method: not provided. Allele origin: germline. Inheritance: Autosomal recessive inheritance. Affected: yes.

PreventionGenetics, part of Exact Sciences
Classification: Benign. Review status: criteria provided, single submitter. Criteria: ACMG Guidelines, 2015. Collection method: clinical testing. Allele origin: germline.

Diagnostic Laboratory, Department of Genetics, University Medical Center Groningen
Classification: Benign. Review status: no assertion criteria provided. Collection method: clinical testing. Allele origin: germline. Affected: yes. Study: VKGL Data-share Consensus. Not counted in ClinVar's aggregate classification.

Genome Diagnostics Laboratory, Amsterdam University Medical Center
Classification: Benign. Review status: no assertion criteria provided. Collection method: clinical testing. Allele origin: germline. Affected: yes. Study: VKGL Data-share Consensus. Not counted in ClinVar's aggregate classification.

Joint Genome Diagnostic Labs from Nijmegen and Maastricht, Radboudumc and MUMC+
Classification: Benign. Review status: no assertion criteria provided. Collection method: clinical testing. Allele origin: germline. Affected: yes. Study: VKGL Data-share Consensus. Not counted in ClinVar's aggregate classification.

NM_001854.4(COL11A1):c.4770T>C (p.Ile1590=)

Gene: COL11A1 (collagen type XI alpha 1 chain; minus strand). Cytogenetic location: 1p21.1.
Variant type: single nucleotide variant.
Coding change: c.4770T>C on transcript NM_001854.4 (MANE Select); coding-DNA position 4770, T replaced by C.
Protein change: p.Ile1590=; no amino-acid change (isoleucine 1590 retained).
Molecular consequence: synonymous variant. On other transcripts: non-coding transcript variant (1).
Genome position (GRCh38, 1-based): chr1:102,886,895, A>G on the plus strand (T>C on the coding strand, the complement: COL11A1 is on the minus strand). VCF-style: chr1-102886895-A-G. GRCh37 (hg19) VCF-style: chr1-103352451-A-G.
Other names: p.Ile1590=; c.4653T>C, p.Ile1551= (NM_001190709.2); c.4806T>C, p.Ile1602= (NM_080629.3); c.4422T>C, p.Ile1474= (NM_080630.4).
Identifiers: ClinVar variation 258470 (VCV000258470.27), dbSNP rs2229783, ClinGen allele CA973415.